The following is an entry in ClinVar:

NM_000089.4(COL1A2):c.595-20C>T

Gene: COL1A2 (collagen type I alpha 2 chain; plus strand). Cytogenetic location: 7q21.3.
Variant type: single nucleotide variant.
Coding change: c.595-20C>T on transcript NM_000089.4 (MANE Select); 20 bases into the intron before coding-DNA position 595, C replaced by T.
Molecular consequence: intron variant.
Genome position (GRCh38, 1-based): chr7:94,407,827, C>T. VCF-style: chr7-94407827-C-T. GRCh37 (hg19) VCF-style: chr7-94037139-C-T.
Identifiers: ClinVar variation 388772 (VCV000388772.22), dbSNP rs192022673, ClinGen allele CA4346735.

ClinVar aggregate classification (germline): Benign/Likely benign. Review status: criteria provided, multiple submitters, no conflicts (2 of 4 stars). 5 submissions from 5 submitters: Benign (3); Likely benign (2). Last evaluated 2026-01-22.

Conditions:
Ehlers-Danlos syndrome, classic type, 1 (EDSCL1). Also called: Ehlers-Danlos syndrome, type 1; Ehlers-Danlos Syndrome, Classic Type, COL5A1-Related; EDS I; EHLERS-DANLOS SYNDROME, GRAVIS TYPE; EHLERS-DANLOS SYNDROME, SEVERE CLASSIC TYPE. Identifiers: MedGen C0268335, MONDO:0019567, OMIM 130000.
Osteogenesis imperfecta type I (OI1). Also called: Lobstein's Disease; Lobstein disease; OI, TYPE I; OSTEOGENESIS IMPERFECTA TARDA; OSTEOGENESIS IMPERFECTA WITH BLUE SCLERAE; Osteogenesis imperfecta type 1. Identifiers: Orphanet 216796, Orphanet 666, MedGen C0023931, MONDO:0008146, OMIM 166200. Disease mechanism: loss of function.

Allele frequency attached by ClinVar (database versions not stated): gnomAD exomes 0.00020 and 0.00049; ExAC 0.00067; 1000 Genomes Project 0.00220; gnomAD 0.00226 and 0.00242; ESP Exome Variant Server 0.00261; TOPMed 0.00264; 1000 Genomes Project 30x 0.00312.
gnomAD v4.1: 647 of 1,612,472 alleles (0.04%); highest among the groups gnomAD compares: African/African-American, 0.76%; 5 homozygotes.

Submissions (5):

Labcorp Genetics (formerly Invitae), Labcorp
Classification: Benign for Osteogenesis imperfecta type I; Ehlers-Danlos syndrome, classic type, 1. Last evaluated: 2026-01-22. Review status: criteria provided, single submitter. Criteria: Invitae Variant Classification Sherloc (09022015). Collection method: clinical testing. Allele origin: germline.

Athena Diagnostics
Classification: Benign. Last evaluated: 2025-09-19. Review status: criteria provided, single submitter. Criteria: Athena Diagnostics Criteria. Collection method: clinical testing. Allele origin: unknown.
Comment: The frequency of this variant in the general population is higher than would generally be expected for pathogenic variants in this gene.

Blueprint Genetics
Classification: Likely benign. Last evaluated: 2024-11-12. Review status: criteria provided, single submitter. Criteria: ACMG Guidelines, 2015. Collection method: clinical testing. Allele origin: germline.

ARUP Laboratories, Molecular Genetics and Genomics, ARUP Laboratories
Classification: Benign. Last evaluated: 2022-04-28. Review status: criteria provided, single submitter. Criteria: ARUP Molecular Germline Variant Investigation Process 2021. Collection method: clinical testing. Allele origin: germline.

GeneDx
Classification: Likely benign. Last evaluated: 2018-05-04. Review status: criteria provided, single submitter. Criteria: GeneDx Variant Classification Process June 2021. Collection method: clinical testing. Allele origin: germline. Affected: yes.